The following is an entry in ClinVar:

ClinVar aggregate classification (germline): Uncertain significance (1 of 4 stars; one submission).

gnomAD v4.1: 1 of 1,614,106 alleles (0.000062%); no homozygotes.

Submission:

Labcorp Genetics (formerly Invitae), Labcorp
Classification: Uncertain significance. Last evaluated: 2024-03-06. Review status: criteria provided, single submitter. Criteria: Invitae Variant Classification Sherloc (09022015). Collection method: clinical testing. Allele origin: germline.
Comment: This sequence change replaces glutamic acid, which is acidic and polar, with glutamine, which is neutral and polar, at codon 461 of the MECOM protein (p.Glu461Gln). This variant is not present in population databases (gnomAD no frequency). This missense change has been observed in individual(s) with MECOM-related conditions (PMID: 35295078). This variant is also known as c.1945G>C, p.Glu649Gln. An algorithm developed to predict the effect of missense changes on protein structure and function (PolyPhen-2) suggests that this variant is likely to be disruptive. Algorithms developed to predict the effect of sequence changes on RNA splicing suggest that this variant may create or strengthen a splice site. In summary, the available evidence is currently insufficient to determine the role of this variant in disease. Therefore, it has been classified as a Variant of Uncertain Significance.

Literature cited by the submitters: PubMed 35295078.

NM_004991.4(MECOM):c.1945G>C (p.Glu649Gln)

Gene: MECOM (MDS1 and EVI1 complex locus; minus strand). Cytogenetic location: 3q26.2.
Variant type: single nucleotide variant.
Coding change: c.1945G>C on transcript NM_004991.4 (MANE Select); coding-DNA position 1945, G replaced by C.
Protein change: p.Glu649Gln; replaces glutamic acid 649 with glutamine.
Molecular consequence: missense variant. On other transcripts: intron variant (2).
Genome position (GRCh38, 1-based): chr3:169,115,927, C>G on the plus strand (G>C on the coding strand, the complement: MECOM is on the minus strand). VCF-style: chr3-169115927-C-G. GRCh37 (hg19) VCF-style: chr3-168833715-C-G.
Other names: c.1381G>C, p.Glu461Gln (NM_001366469.2, NM_001366471.2, NM_001366472.2 and 4 more transcripts); c.1384G>C, p.Glu462Gln (NM_001366470.2, NM_001163999.2, NM_001366467.2 and 1 more transcripts); c.1133-160G>C (NM_001366473.2); c.569-160G>C (NM_001366474.2); c.1576G>C, p.Glu526Gln (NM_001105077.4); c.1945G>C, p.Glu649Gln (NM_001366466.2); short protein forms E462Q, E461Q, E649Q, E526Q.
Identifiers: ClinVar variation 2879037 (VCV002879037.3), dbSNP rs2549407474, ClinGen allele CA355086951.